The following is an entry in ClinVar:

NM_001267550.2(TTN):c.93167G>A (p.Arg31056Gln)

Genes: TTN (titin; minus strand), TTN-AS1 (TTN antisense RNA 1; plus strand). Cytogenetic location: 2q31.2.
Variant type: single nucleotide variant.
Coding change: c.93167G>A on transcript NM_001267550.2 (MANE Select); coding-DNA position 93167, G replaced by A.
Protein change: p.Arg31056Gln; replaces arginine 31056 with glutamine.
Molecular consequence: missense variant.
Genome position (GRCh38, 1-based): chr2:178,548,459, C>T on the plus strand (G>A on the coding strand, the complement: TTN is on the minus strand). VCF-style: chr2-178548459-C-T. GRCh37 (hg19) VCF-style: chr2-179413186-C-T.
Other names: c.88244G>A, p.Arg29415Gln (NM_001256850.1); c.65972G>A, p.Arg21991Gln (NM_003319.4); c.85463G>A, p.Arg28488Gln (NM_133378.4); c.66347G>A, p.Arg22116Gln (NM_133432.3); c.66548G>A, p.Arg22183Gln (NM_133437.4); short protein forms R28488Q, R31056Q, R21991Q, R22116Q, R22183Q, R29415Q.
Identifiers: ClinVar variation 191852 (VCV000191852.6), dbSNP rs201377736, ClinGen allele CA237701.

ClinVar aggregate classification (germline): Uncertain significance. Review status: criteria provided, multiple submitters, no conflicts (2 of 4 stars). 3 submissions from 3 submitters: Uncertain significance (3). Last evaluated 2021-09-03.

Conditions:
Cardiovascular phenotype. Identifiers: MedGen CN230736.
Myopathy, myofibrillar, 9, with early respiratory failure (MFM9). Also called: EDSTROM MYOPATHY; MYOPATHY, PROXIMAL, WITH EARLY RESPIRATORY MUSCLE INVOLVEMENT; Myopathy, distal, with early respiratory failure, autosomal dominant; Hereditary myopathy with early respiratory failure. Identifiers: Orphanet 178464, Orphanet 34521, MedGen C1863599, MONDO:0011362, OMIM 603689.
Early-onset myopathy with fatal cardiomyopathy (CMYO5). Also called: CONGENITAL MYOPATHY 5 WITH CARDIOMYOPATHY; Salih Myopathy. Identifiers: Orphanet 289377, MedGen C2673677, MONDO:0012714, OMIM 611705. Disease mechanism: loss of function.
Hypertrophic cardiomyopathy 9. Also called: Familial hypertrophic cardiomyopathy 9. Identifiers: MedGen C1861065, MONDO:0013412, OMIM 613765.
Dilated cardiomyopathy 1G (CMD1G). Identifiers: Orphanet 154, MedGen C1858763, MONDO:0011400, OMIM 604145.
Tibial muscular dystrophy (TMD). Also called: UDD MYOPATHY; Tibial muscular dystrophy, tardive; Udd Distal Myopathy – Tibial Muscular Dystrophy. Identifiers: Orphanet 609, MedGen C1838244, MONDO:0010870, OMIM 600334.
Autosomal recessive limb-girdle muscular dystrophy type 2J (LGMDR10). Also called: MUSCULAR DYSTROPHY, LIMB-GIRDLE, AUTOSOMAL RECESSIVE 10; Limb-girdle muscular dystrophy, type 2J. Identifiers: Orphanet 140922, MedGen C1837342, MONDO:0012127, OMIM 608807.

Allele frequency attached by ClinVar (database versions not stated): gnomAD exomes 0.00001; ExAC 0.00002; gnomAD 0.00002; TOPMed 0.00005.
gnomAD v4.1: 14 of 1,613,886 alleles (0.00087%); highest among the groups gnomAD compares: Admixed American, 0.005%; no homozygotes.

Submissions (3):

Fulgent Genetics
Classification: Uncertain significance for Tibial muscular dystrophy; Myopathy, myofibrillar, 9, with early respiratory failure; Dilated cardiomyopathy 1G; Autosomal recessive limb-girdle muscular dystrophy type 2J; Early-onset myopathy with fatal cardiomyopathy; Hypertrophic cardiomyopathy 9. Last evaluated: 2021-09-03. Review status: criteria provided, single submitter. Criteria: ACMG Guidelines, 2015. Collection method: clinical testing. Allele origin: unknown.

Ambry Genetics
Classification: Uncertain significance for Cardiovascular phenotype. Last evaluated: 2019-10-08. Review status: criteria provided, single submitter. Criteria: Ambry Variant Classification Scheme 2023. Collection method: clinical testing. Allele origin: germline.
Comment: The p.R21991Q variant (also known as c.65972G>A), located in coding exon 166 of the TTN gene, results from a G to A substitution at nucleotide position 65972. The arginine at codon 21991 is replaced by glutamine, an amino acid with highly similar properties. This amino acid position is highly conserved in available vertebrate species. In addition, this alteration is predicted to be tolerated by in silico analysis. Since supporting evidence is limited at this time, the clinical significance of this alteration remains unclear.

Biesecker Lab/Clinical Genomics Section, National Institutes of Health
Classification: Uncertain significance. Last evaluated: 2013-06-24. Review status: criteria provided, single submitter. Criteria: Ng et al. (Circ Cardiovasc Genet. 2013). Collection method: research. Allele origin: unknown. Observed: 1 variant allele. Study: ClinSeq.
Comment: The study set was not selected for affection status in relation to any cancer. Pathogenicity categories were based on literature curation. See Pubmed ID:23861362 for details.

Medical sequencing